The following is an entry in ClinVar:

NM_001754.5(RUNX1):c.1254G>C (p.Met418Ile)

Gene: RUNX1 (RUNX family transcription factor 1; minus strand). Cytogenetic location: 21q22.12.
Variant type: single nucleotide variant.
Coding change: c.1254G>C on transcript NM_001754.5 (MANE Select); coding-DNA position 1254, G replaced by C.
Protein change: p.Met418Ile; replaces methionine 418 with isoleucine.
Molecular consequence: missense variant.
Genome position (GRCh38, 1-based): chr21:34,792,324, C>G on the plus strand (G>C on the coding strand, the complement: RUNX1 is on the minus strand). VCF-style: chr21-34792324-C-G. GRCh37 (hg19) VCF-style: chr21-36164621-C-G.
Other names: NM_001754.5(RUNX1):c.1254G>C; p.Met418Ile; c.1173G>C, p.Met391Ile (NM_001001890.3); short protein forms M391I, M418I.
Identifiers: ClinVar variation 2912699 (VCV002912699.5), dbSNP rs1357327999, ClinGen allele CA410147636.

ClinVar aggregate classification (germline): Uncertain significance. Review status: reviewed by expert panel (3 of 4 stars). 3 submissions from 3 submitters: Uncertain significance (1). 2 of the submissions do not count toward it. Last evaluated 2024-09-12.

Conditions:
Hereditary thrombocytopenia and hematological cancer predisposition syndrome associated with RUNX1. Also called: RUNX1 Familial Platelet Disorder with Associated Myeloid Malignancies; Familial Platelet Disorder with Propensity to Acute Myelogenous Leukemia; Familial thrombocytopenia with propensity to acute myelogenous leukemia; PLATELET DISORDER, ASPIRIN-LIKE. Identifiers: Orphanet 71290, MedGen C1832388, MeSH C563324, MONDO:0100083, OMIM 601399.
Hereditary thrombocytopenia and hematologic cancer predisposition syndrome. Identifiers: Orphanet 71290, MedGen CN281654, MONDO:0011071.
Inborn genetic diseases. Identifiers: MedGen C0950123, MeSH D030342.

Allele frequency attached by ClinVar (database versions not stated): gnomAD 0.00001.
gnomAD v4.1: 2 of 1,552,336 alleles (0.00013%); highest among the groups gnomAD compares: South Asian, 0.0024%; no homozygotes.

Submissions (3):

ClinGen Myeloid Malignancy Variant Curation Expert Panel
Classification: Uncertain significance for Hereditary thrombocytopenia and hematologic cancer predisposition syndrome. Last evaluated: 2024-09-12. Review status: reviewed by expert panel. Criteria: ClinGen MyeloMalig ACMG Specifications v2. Collection method: curation. Allele origin: germline. Inheritance: Autosomal dominant inheritance.
Comment: NM_001754.5(RUNX1):c.1254G>C (p.Met418Ile) is a missense variant which has a REVEL score < 0.50 (0.208) and a SpliceAI score ≤ 0.20 (Δ score 0.00) (BP4). It is completely absent from all population databases with at least 20x coverage for RUNX1 (PM2_Supporting). In summary, the clinical significance of this variant is uncertain. ACMG/AMP criteria applied, as specified by the Myeloid Malignancy Variant Curation Expert Panel for RUNX1: BP4, PM2_Supporting.

Ambry Genetics
Classification: Uncertain significance for Inborn genetic diseases. Last evaluated: 2025-05-09. Review status: criteria provided, single submitter. Criteria: Ambry Variant Classification Scheme 2023. Collection method: clinical testing. Allele origin: germline. Not counted in ClinVar's aggregate classification.
Comment: The p.M418I variant (also known as c.1254G>C), located in coding exon 8 of the RUNX1 gene, results from a G to C substitution at nucleotide position 1254. The methionine at codon 418 is replaced by isoleucine, an amino acid with highly similar properties. This amino acid position is conserved. In addition, this alteration is predicted to be tolerated by in silico analysis. Based on the available evidence, the clinical significance of this variant remains unclear.

Labcorp Genetics (formerly Invitae), Labcorp
Classification: Uncertain significance for Hereditary thrombocytopenia and hematological cancer predisposition syndrome associated with RUNX1. Last evaluated: 2023-04-21. Review status: criteria provided, single submitter. Criteria: Invitae Variant Classification Sherloc (09022015). Collection method: clinical testing. Allele origin: germline. Not counted in ClinVar's aggregate classification.
Comment: In summary, the available evidence is currently insufficient to determine the role of this variant in disease. Therefore, it has been classified as a Variant of Uncertain Significance. Advanced modeling of protein sequence and biophysical properties (such as structural, functional, and spatial information, amino acid conservation, physicochemical variation, residue mobility, and thermodynamic stability) performed at Invitae indicates that this missense variant is not expected to disrupt RUNX1 protein function. This variant has not been reported in the literature in individuals affected with RUNX1-related conditions. This variant is not present in population databases (gnomAD no frequency). This sequence change replaces methionine, which is neutral and non-polar, with isoleucine, which is neutral and non-polar, at codon 418 of the RUNX1 protein (p.Met418Ile).